The following is an entry in ClinVar:

NM_032314.4(COQ5):c.267T>C (p.Gly89=)

Gene: COQ5 (coenzyme Q5, methyltransferase; minus strand). Cytogenetic location: 12q24.31.
Variant type: single nucleotide variant.
Coding change: c.267T>C on transcript NM_032314.4 (MANE Select); coding-DNA position 267, T replaced by C.
Protein change: p.Gly89=; no amino-acid change (glycine 89 retained).
Molecular consequence: synonymous variant.
Genome position (GRCh38, 1-based): chr12:120,522,299, A>G on the plus strand (T>C on the coding strand, the complement: COQ5 is on the minus strand). VCF-style: chr12-120522299-A-G. GRCh37 (hg19) VCF-style: chr12-120960102-A-G.
Identifiers: ClinVar variation 1335120 (VCV001335120.35), dbSNP rs142784328, ClinGen allele CA6828877.

ClinVar aggregate classification (germline): Likely benign. Review status: criteria provided, multiple submitters, no conflicts (2 of 4 stars). 2 submissions from 2 submitters: Likely benign (2). Last evaluated 2025-12-01.

Allele frequency attached by ClinVar (database versions not stated): 1000 Genomes Project 30x 0.00078; 1000 Genomes Project 0.00100; TOPMed 0.00113; ESP Exome Variant Server 0.00192; gnomAD exomes 0.00207 and 0.00291; gnomAD 0.00249 and 0.00252; ExAC 0.00329.
gnomAD v4.1: 3,385 of 1,613,640 alleles (0.21%); highest among the groups gnomAD compares: Non-Finnish European, 0.18%; 16 homozygotes.

Submissions (2):

CeGaT Center for Human Genetics Tuebingen
Classification: Likely benign. Last evaluated: 2025-12-01. Review status: criteria provided, single submitter. Criteria: CeGaT Center For Human Genetics Tuebingen Variant Classification Criteria Version 2. Collection method: clinical testing. Allele origin: germline. Affected: yes. Observed: 11 variant alleles.
Comment: COQ5: BP4, BP7

Breakthrough Genomics
Classification: Likely benign. Review status: criteria provided, single submitter. Criteria: ACMG Guidelines, 2015. Collection method: not provided. Allele origin: germline. Inheritance: Autosomal recessive inheritance. Affected: yes.